The following is an entry in ClinVar:

NM_001006658.3(CR2):c.2844G>A (p.Glu948=)

Gene: CR2 (complement C3d receptor 2; plus strand). Cytogenetic location: 1q32.2.
Variant type: single nucleotide variant.
Coding change: c.2844G>A on transcript NM_001006658.3 (MANE Select); coding-DNA position 2844, G replaced by A.
Protein change: p.Glu948=; no amino-acid change (glutamic acid 948 retained).
Molecular consequence: synonymous variant.
Genome position (GRCh38, 1-based): chr1:207,476,361, G>A. VCF-style: chr1-207476361-G-A. GRCh37 (hg19) VCF-style: chr1-207649706-G-A.
Other names: c.2667G>A, p.Glu889= (NM_001877.5).
Identifiers: ClinVar variation 439557 (VCV000439557.46), dbSNP rs61754518, ClinGen allele CA1369074.
Genomic context (GRCh38, chr1:207,476,361, plus strand): 5'-ATTTTCTCCTGGAATGTCAATCCTGTACAGCTGTGACCAAGGCTACCTGCTGGTGGGAGA[G>A]GCACTCCTTCTTTGCACACATGAGGGAACCTGGAGCCAACCTGCCCCTCATTGTAAAGGT-3'
Protein context (NP_001006659.1, residues 938-958): SCDQGYLLVG[Glu948=]ALLLCTHEGT

ClinVar aggregate classification (germline): Benign/Likely benign. Review status: criteria provided, multiple submitters, no conflicts (2 of 4 stars). 6 submissions from 6 submitters: Benign (2); Likely benign (4). Last evaluated 2026-04-01.

Conditions:
Immunodeficiency, common variable, 7. Identifiers: Orphanet 1572, Orphanet 696894, MedGen C3542922, MONDO:0013862, OMIM 614699.

Allele frequency attached by ClinVar (database versions not stated): gnomAD 0.00095 and 0.00098; TOPMed 0.00111; ExAC 0.00114; 1000 Genomes Project 0.00120; gnomAD exomes 0.00129 and 0.00141; ESP Exome Variant Server 0.00154; 1000 Genomes Project 30x 0.00203.

Submissions (6):

CeGaT Center for Human Genetics Tuebingen
Classification: Likely benign. Last evaluated: 2026-04-01. Review status: criteria provided, single submitter. Criteria: CeGaT Center For Human Genetics Tuebingen Variant Classification Criteria Version 2. Collection method: clinical testing. Allele origin: germline. Affected: yes. Observed: 5 variant alleles.
Comment: CR2: BP4, BP7

Labcorp Genetics (formerly Invitae), Labcorp
Classification: Benign for Immunodeficiency, common variable, 7. Last evaluated: 2026-01-25. Review status: criteria provided, single submitter. Criteria: Invitae Variant Classification Sherloc (09022015). Collection method: clinical testing. Allele origin: germline.

Blueprint Genetics
Classification: Likely benign. Last evaluated: 2024-11-18. Review status: criteria provided, single submitter. Criteria: ACMG Guidelines, 2015. Collection method: clinical testing. Allele origin: germline.

ARUP Laboratories, Molecular Genetics and Genomics, ARUP Laboratories
Classification: Likely benign. Last evaluated: 2024-10-23. Review status: criteria provided, single submitter. Criteria: ARUP Molecular Germline Variant Investigation Process 2024. Collection method: clinical testing. Allele origin: germline.

Genome-Nilou Lab
Classification: Benign for Immunodeficiency, common variable, 7. Last evaluated: 2023-04-11. Review status: criteria provided, single submitter. Criteria: ACMG Guidelines, 2015. Collection method: clinical testing. Allele origin: germline. Affected: no.

Breakthrough Genomics
Classification: Likely benign. Review status: criteria provided, single submitter. Criteria: ACMG Guidelines, 2015. Collection method: not provided. Allele origin: germline. Inheritance: Autosomal recessive inheritance. Affected: yes.